The following is an entry in ClinVar:

ClinVar aggregate classification (germline): Uncertain significance (1 of 4 stars; one submission).

Conditions:
Primary ciliary dyskinesia. Also called: Ciliary dyskinesia. Identifiers: Orphanet 244, MedGen C0008780, MONDO:0016575, HP:0012265.

Allele frequency attached by ClinVar (database versions not stated): TOPMed 0.00003.
gnomAD v4.1: 1 of 1,584,004 alleles (0.000063%); highest among the groups gnomAD compares: African/African-American, 0.0014%; no homozygotes.

Submission:

Labcorp Genetics (formerly Invitae), Labcorp
Classification: Uncertain significance for Primary ciliary dyskinesia. Last evaluated: 2020-06-13. Review status: criteria provided, single submitter. Criteria: Invitae Variant Classification Sherloc (09022015). Collection method: clinical testing. Allele origin: germline.
Comment: In summary, the available evidence is currently insufficient to determine the role of this variant in disease. Therefore, it has been classified as a Variant of Uncertain Significance. Nucleotide substitutions within the consensus splice site are a relatively common cause of aberrant splicing (PMID: 17576681, 9536098). Algorithms developed to predict the effect of sequence changes on RNA splicing suggest that this variant may disrupt the consensus splice site, but this prediction has not been confirmed by published transcriptional studies. This variant has not been reported in the literature in individuals with DNAH8-related conditions. This sequence change falls in intron 28 of the DNAH8 gene. It does not directly change the encoded amino acid sequence of the DNAH8 protein, but it affects a nucleotide within the consensus splice site of the intron. This variant is not present in population databases (ExAC no frequency).

Literature cited by the submitters: PubMed 17576681; PubMed 9536098.

NM_001206927.2(DNAH8):c.3848-3C>G

Gene: DNAH8 (dynein axonemal heavy chain 8; plus strand). Cytogenetic location: 6p21.2.
Variant type: single nucleotide variant.
Coding change: c.3848-3C>G on transcript NM_001206927.2 (MANE Select); 3 bases into the intron before coding-DNA position 3848, C replaced by G.
Molecular consequence: intron variant.
Genome position (GRCh38, 1-based): chr6:38,826,153, C>G. VCF-style: chr6-38826153-C-G. GRCh37 (hg19) VCF-style: chr6-38793929-C-G.
Other names: c.3197-3C>G (NM_001371.4).
Identifiers: ClinVar variation 1036483 (VCV001036483.7), dbSNP rs1053217536, ClinGen allele CA824525858.